The following is an entry in ClinVar:

ClinVar aggregate classification (germline): Uncertain significance (1 of 4 stars; one submission).

Conditions:
Muscle AMP deaminase deficiency (MMDD). Also called: ADENOSINE MONOPHOSPHATE DEAMINASE-1 DEFICIENCY, MYOPATHY DUE TO; Myoadenylate deaminase deficiency, myopathy due to; Adenosine monophosphate deaminase 1 deficiency; AMP deaminase 1 deficiency; Adenosine Monophosphate Deaminase 1; AMPD1 DEFICIENCY. Identifiers: Orphanet 45, MedGen C3714933, MONDO:0014220, OMIM 615511.

Allele frequency attached by ClinVar (database versions not stated): TOPMed below 0.00001.

Submission:

Labcorp Genetics (formerly Invitae), Labcorp
Classification: Uncertain significance for Muscle AMP deaminase deficiency. Last evaluated: 2022-04-16. Review status: criteria provided, single submitter. Criteria: Invitae Variant Classification Sherloc (09022015). Collection method: clinical testing. Allele origin: germline.
Comment: This sequence change replaces aspartic acid, which is acidic and polar, with tyrosine, which is neutral and polar, at codon 276 of the AMPD1 protein (p.Asp276Tyr). This variant is not present in population databases (gnomAD no frequency). This variant has not been reported in the literature in individuals affected with AMPD1-related conditions. Algorithms developed to predict the effect of missense changes on protein structure and function (SIFT, PolyPhen-2, Align-GVGD) all suggest that this variant is likely to be disruptive. Algorithms developed to predict the effect of sequence changes on RNA splicing suggest that this variant may disrupt the consensus splice site. In summary, the available evidence is currently insufficient to determine the role of this variant in disease. Therefore, it has been classified as a Variant of Uncertain Significance.

NM_000036.3(AMPD1):c.727G>T (p.Asp243Tyr)

Gene: AMPD1 (adenosine monophosphate deaminase 1; minus strand). Cytogenetic location: 1p13.2.
Variant type: single nucleotide variant.
Coding change: c.727G>T on transcript NM_000036.3 (MANE Select); coding-DNA position 727, G replaced by T.
Protein change: p.Asp243Tyr; replaces aspartic acid 243 with tyrosine.
Molecular consequence: missense variant.
Genome position (GRCh38, 1-based): chr1:114,680,299, C>A on the plus strand (G>T on the coding strand, the complement: AMPD1 is on the minus strand). VCF-style: chr1-114680299-C-A. GRCh37 (hg19) VCF-style: chr1-115222920-C-A.
Other names: c.715G>T, p.Asp239Tyr (NM_001172626.2); short protein forms D239Y, D243Y.
Identifiers: ClinVar variation 1937394 (VCV001937394.2), dbSNP rs587779379, ClinGen allele CA341750360.